The following is an entry in ClinVar:

NM_001079559.3(HNRNPUL2):c.635G>A (p.Arg212Gln)

Genes: HNRNPUL2 (heterogeneous nuclear ribonucleoprotein U like 2; minus strand), HNRNPUL2-BSCL2 (HNRNPUL2-BSCL2 readthrough (NMD candidate); minus strand). Cytogenetic location: 11q12.3.
Variant type: single nucleotide variant.
Coding change: c.635G>A on transcript NM_001079559.3 (MANE Select); coding-DNA position 635, G replaced by A.
Protein change: p.Arg212Gln; replaces arginine 212 with glutamine.
Molecular consequence: missense variant. On other transcripts: non-coding transcript variant (1).
Genome position (GRCh38, 1-based): chr11:62,724,330, C>T on the plus strand (G>A on the coding strand, the complement: HNRNPUL2 is on the minus strand). VCF-style: chr11-62724330-C-T. GRCh37 (hg19) VCF-style: chr11-62491802-C-T.
Other names: short protein forms R212Q.
Identifiers: ClinVar variation 1710397 (VCV001710397.3), dbSNP rs2539212059, ClinGen allele CA380989123.

ClinVar aggregate classification (germline): Uncertain significance (1 of 4 stars; one submission).

gnomAD v4.1: 2 of 1,614,174 alleles (0.00012%); highest among the groups gnomAD compares: East Asian, 0.0022%; no homozygotes.

Submission:

Greenwood Genetic Center Diagnostic Laboratories, Greenwood Genetic Center
Classification: Uncertain significance. Last evaluated: 2022-09-13. Review status: criteria provided, single submitter. Criteria: ACMG Guidelines, 2015. Collection method: clinical testing. Allele origin: germline. Affected: yes.
Comment: Gene of Uncertain Significance